The following is an entry in ClinVar:

ClinVar aggregate classification (germline): Uncertain significance (1 of 4 stars; one submission).

Conditions:
Familial adenomatous polyposis 1 (FAP1). Also called: FAMILIAL ADENOMATOUS POLYPOSIS 1, ATTENUATED; POLYPOSIS, ADENOMATOUS INTESTINAL. Identifiers: MedGen C2713442, MONDO:0021056, OMIM 175100. Disease mechanism: loss of function.

Allele frequency attached by ClinVar (database versions not stated): TOPMed 0.00003; gnomAD 0.00001.

Submission:

Labcorp Genetics (formerly Invitae), Labcorp
Classification: Uncertain significance for Familial adenomatous polyposis 1. Last evaluated: 2025-06-08. Review status: criteria provided, single submitter. Criteria: Invitae Variant Classification Sherloc (09022015). Collection method: clinical testing. Allele origin: germline.
Comment: This variant occurs in a non-coding region of the APC gene. It does not change the encoded amino acid sequence of the APC protein. This variant is not present in population databases (gnomAD no frequency). This variant has not been reported in the literature in individuals affected with APC-related conditions. Experimental studies and prediction algorithms are not available or were not evaluated, and the functional significance of this variant is currently unknown. In summary, the available evidence is currently insufficient to determine the role of this variant in disease. Therefore, it has been classified as a Variant of Uncertain Significance.

NM_001127511.3(APC):c.-89T>G

Gene: APC (APC regulator of Wnt signaling pathway; plus strand). Cytogenetic location: 5q22.2.
Variant type: single nucleotide variant.
Coding change: c.-89T>G on transcript NM_001127511.3; 89 bases upstream of the start codon, T replaced by G.
Molecular consequence: 5 prime UTR variant. On other transcripts: non-coding transcript variant (2).
Genome position (GRCh38, 1-based): chr5:112,707,629, T>G. VCF-style: chr5-112707629-T-G. GRCh37 (hg19) VCF-style: chr5-112043326-T-G.
Other names: c.-272T>G (NM_001354895.2, NM_001407447.1, NM_001407452.1 and 3 more transcripts); c.-89T>G (NM_001354897.2, NM_001354902.2, NM_001407446.1); c.-39T>G (NM_001407448.1, NM_001407450.1, NM_001407457.1 and 1 more transcripts); c.-63T>G (NM_001407453.1); c.-1307T>G (NM_001407470.1, NM_001407472.1).
Identifiers: ClinVar variation 1043136 (VCV001043136.9), dbSNP rs1030112006, ClinGen allele CA124925044.